The following is an entry in ClinVar:

NM_001048174.2(MUTYH):c.1004G>C (p.Ser335Thr)

Gene: MUTYH (mutY DNA glycosylase; minus strand). Cytogenetic location: 1p34.1.
Variant type: single nucleotide variant.
Coding change: c.1004G>C on transcript NM_001048174.2 (MANE Select); coding-DNA position 1004, G replaced by C.
Protein change: p.Ser335Thr; replaces serine 335 with threonine.
Molecular consequence: missense variant. On other transcripts: non-coding transcript variant (7).
Genome position (GRCh38, 1-based): chr1:45,331,759, C>G on the plus strand (G>C on the coding strand, the complement: MUTYH is on the minus strand). VCF-style: chr1-45331759-C-G. GRCh37 (hg19) VCF-style: chr1-45797431-C-G.
Other names: c.1004G>C, p.Ser335Thr (NM_001048171.2, NM_001048173.2, NM_001293195.2 and 6 more transcripts); c.1007G>C, p.Ser336Thr (NM_001048172.2, NM_001407071.1, NM_001407078.1 and 1 more transcripts); c.1088G>C, p.Ser363Thr (NM_001128425.2); c.1049G>C, p.Ser350Thr (NM_001293190.2); c.1037G>C, p.Ser346Thr (NM_001293191.2, NM_001407069.1, NM_001407077.1); c.728G>C, p.Ser243Thr (NM_001293192.2, NM_001293196.2, NM_001407091.1); c.659G>C, p.Ser220Thr (NM_001350650.2, NM_001350651.2, NM_001407082.1); c.920G>C, p.Ser307Thr (NM_001407075.1); and 5 more; short protein forms S243T, S321T, S335T, S363T, S220T, S307T, S336T, S360T.
Identifiers: ClinVar variation 4113002 (VCV004113002.1).
Genomic context (GRCh38, chr1:45,331,759, plus strand): 5'-AGGGCCCCAGGCTGTTCCAGAACACAGGTGGCAGAGCTCTCCTCCCTGGGGGGCTTGCGG[C>G]TGGCCTTTCTGGGGAAGTTGACCACTCCCAGGGTCTGGTCCCAGGGCTCCGAGGGAGGCA-3'
Protein context (NP_001041639.1, residues 325-345): LGVVNFPRKA[Ser335Thr]RKPPREESSA

ClinVar aggregate classification (germline): Uncertain significance (1 of 4 stars; one submission).

Conditions:
Hereditary cancer-predisposing syndrome. Also called: Tumor predisposition; Neoplastic Syndromes, Hereditary; Hereditary neoplastic syndrome; Hereditary Cancer Syndrome. Identifiers: Orphanet 140162, MedGen C0027672, MeSH D009386, MONDO:0015356.

Submission:

Ambry Genetics
Classification: Uncertain significance for Hereditary cancer-predisposing syndrome. Last evaluated: 2025-08-27. Review status: criteria provided, single submitter. Criteria: Ambry Variant Classification Scheme 2023. Collection method: clinical testing. Allele origin: germline.
Comment: The p.S363T variant (also known as c.1088G>C), located in coding exon 12 of the MUTYH gene, results from a G to C substitution at nucleotide position 1088. The serine at codon 363 is replaced by threonine, an amino acid with similar properties. This amino acid position is conserved. In addition, this alteration is predicted to be tolerated by in silico analysis. Based on the available evidence, the clinical significance of this variant remains unclear.